The following is an entry in ClinVar:

NM_198291.3(SRC):c.1579G>A (p.Glu527Lys)

Gene: SRC (SRC proto-oncogene, non-receptor tyrosine kinase; plus strand). Cytogenetic location: 20q11.23.
Variant type: single nucleotide variant.
Coding change: c.1579G>A on transcript NM_198291.3 (MANE Select); coding-DNA position 1579, G replaced by A.
Protein change: p.Glu527Lys; replaces glutamic acid 527 with lysine.
Molecular consequence: missense variant.
Genome position (GRCh38, 1-based): chr20:37,403,347, G>A. VCF-style: chr20-37403347-G-A. GRCh37 (hg19) VCF-style: chr20-36031750-G-A.
Other names: c.1579G>A, p.Glu527Lys (NM_005417.5); short protein forms E527K.
Identifiers: ClinVar variation 225689 (VCV000225689.7), dbSNP rs879255268, ClinGen allele CA10576055.

ClinVar aggregate classification (germline): Pathogenic/Likely pathogenic. Review status: criteria provided, multiple submitters, no conflicts (2 of 4 stars). 4 submissions from 4 submitters: Pathogenic (1); Likely pathogenic (1). 2 of the submissions do not count toward it. Last evaluated 2024-02-28.

Conditions:
SRC-related disorder. Also called: SRC-related condition.
Thrombocytopenia 6 (THC6). Also called: THROMBOCYTOPENIA, AUTOSOMAL DOMINANT, 6. Identifiers: Orphanet 480851, MedGen C4310789, MONDO:0014837, OMIM 616937.
Osteoporosis. Identifiers: MedGen C0029456, MONDO:0005298, OMIM 166710, HP:0000939.
Primary myelofibrosis. Also called: Myelofibrosis, somatic. Identifiers: Orphanet 824, MedGen C0001815, MeSH D055728, MONDO:0009692, OMIM 254450.
Thrombocytopenia. Identifiers: MedGen C0040034, MeSH D013921, MONDO:0002049, HP:0001873.

gnomAD v4.1: 1 of 1,606,472 alleles (0.000062%); highest among the groups gnomAD compares: Non-Finnish European, 0.000085%; no homozygotes.

Submissions (4):

Blueprint Genetics
Classification: Pathogenic for SRC-related disorders. Last evaluated: 2024-02-28. Review status: criteria provided, single submitter. Criteria: ACMG Guidelines, 2015. Collection method: clinical testing. Allele origin: germline. Affected: yes. Observed: 1 variant allele.

ISTH-SSC Genomics in Thrombosis and Hemostasis, KU Leuven, Center for Molecular and Vascular Biology
Classification: Likely pathogenic for Thrombocytopenia 6. Review status: criteria provided, single submitter. Criteria: ACMG Guidelines, 2015. Collection method: clinical testing. Allele origin: germline. Affected: yes. Observed: 2 heterozygotes. Clinical features observed: Macrothrombocytopenia, Impaired platelet aggregation, Reduced numbers of alpha granules, Impaired platelet aggregation with collagen and CRP, Neurological symptoms, Recurrent infections, Allergies, Bone disease.
Comment: Submitted to GoldVariant by Jose María Bastida and José Rivera; Grupo Español de Alteraciones Plaquetarias Congénitas (GEAPC)

OMIM
Classification: Pathogenic for THROMBOCYTOPENIA 6 (1 family). Last evaluated: 2021-10-12. Review status: no assertion criteria provided. Collection method: literature only. Allele origin: germline. Not counted in ClinVar's aggregate classification.

NIHR Bioresource Rare Diseases, University of Cambridge
Classification: Likely pathogenic for Osteoporosis; Thrombocytopenia; Myelofibrosis. Review status: no assertion criteria provided. Collection method: research. Allele origin: unknown. Affected: yes. Observed: 1 variant allele. Not counted in ClinVar's aggregate classification.

Literature cited by the submitters: PubMed 26936507 (cited by ISTH-SSC Genomics in Thrombosis and Hemostasis, KU Leuven, Center for Molecular and Vascular Biology and OMIM); PubMed 32581362 (cited by NIHR Bioresource Rare Diseases, University of Cambridge).